The following is an entry in ClinVar:

ClinVar aggregate classification (germline): Uncertain significance (1 of 4 stars; one submission).

Submission:

Labcorp Genetics (formerly Invitae), Labcorp
Classification: Uncertain significance. Last evaluated: 2023-05-10. Review status: criteria provided, single submitter. Criteria: Invitae Variant Classification Sherloc (09022015). Collection method: clinical testing. Allele origin: germline.
Comment: This variant, c.655_657del, results in the deletion of 1 amino acid(s) of the CHRM2 protein (p.Lys219del), but otherwise preserves the integrity of the reading frame. This variant is not present in population databases (gnomAD no frequency). This variant has not been reported in the literature in individuals affected with CHRM2-related conditions. Experimental studies and prediction algorithms are not available or were not evaluated, and the functional significance of this variant is currently unknown. In summary, the available evidence is currently insufficient to determine the role of this variant in disease. Therefore, it has been classified as a Variant of Uncertain Significance.

NM_001006630.2(CHRM2):c.652AAG[1] (p.Lys219del)

Genes: CHRM2 (cholinergic receptor muscarinic 2; plus strand), LOC349160 (uncharacterized LOC349160; minus strand). Cytogenetic location: 7q33.
Variant type: Microsatellite.
Coding change: c.652AAG[1] on transcript NM_001006630.2 (MANE Select); one copy of the 3-base unit AAG starting at c.652; the reference has two copies in a row; one copy, 3 bases deleted.
Protein change: p.Lys219del; deletes lysine 219.
Molecular consequence: inframe deletion.
Genome position (GRCh38, 1-based): chr7:137,015,520-137,015,522, AAG deleted; deleting any 3 consecutive bases within chr7:137,015,517-137,015,522 gives the same sequence; the position shown is the placement nearest the transcript's 3' end. VCF-style (leftmost placement, unchanged base first): chr7-137015516-AAAG-A. GRCh37 (hg19) VCF-style: chr7-136700263-AAAG-A.
Other names: c.652AAG[1], p.Lys219del (NM_000739.3, NM_001006626.3, NM_001006627.3 and 6 more transcripts); short protein forms K219del.
Identifiers: ClinVar variation 2862993 (VCV002862993.3), dbSNP rs1805113545, ClinGen allele CA1745976004.
Genomic context (GRCh38, chr7:137,015,516, plus strand): 5'-GCCAGTGATCATCATGACTGTGCTATATTGGCACATATCCCGAGCCAGCAAGAGCAGGAT[AAAG>A]AAGGACAAGAAGGAGCCTGTTGCCAACCAAGACCCCGTTTCTCCAAGTCTGGTACAAGGA-3'